The following is an entry in ClinVar:

ClinVar aggregate classification (germline): Uncertain significance (1 of 4 stars; one submission).

Allele frequency attached by ClinVar (database versions not stated): gnomAD exomes below 0.00001.
gnomAD v4.1: 2 of 1,613,414 alleles (0.00012%); highest among the groups gnomAD compares: East Asian, 0.0045%; no homozygotes.

Submission:

Labcorp Genetics (formerly Invitae), Labcorp
Classification: Uncertain significance. Last evaluated: 2024-02-23. Review status: criteria provided, single submitter. Criteria: Invitae Variant Classification Sherloc (09022015). Collection method: clinical testing. Allele origin: germline.
Comment: This sequence change replaces glycine, which is neutral and non-polar, with glutamic acid, which is acidic and polar, at codon 700 of the RTTN protein (p.Gly700Glu). This variant is not present in population databases (gnomAD no frequency). This variant has not been reported in the literature in individuals affected with RTTN-related conditions. ClinVar contains an entry for this variant (Variation ID: 2122427). Advanced modeling of protein sequence and biophysical properties (such as structural, functional, and spatial information, amino acid conservation, physicochemical variation, residue mobility, and thermodynamic stability) performed at Invitae indicates that this missense variant is expected to disrupt RTTN protein function with a positive predictive value of 80%. In summary, the available evidence is currently insufficient to determine the role of this variant in disease. Therefore, it has been classified as a Variant of Uncertain Significance.

NM_173630.4(RTTN):c.2099G>A (p.Gly700Glu)

Gene: RTTN (rotatin; minus strand). Cytogenetic location: 18q22.2.
Variant type: single nucleotide variant.
Coding change: c.2099G>A on transcript NM_173630.4 (MANE Select); coding-DNA position 2099, G replaced by A.
Protein change: p.Gly700Glu; replaces glycine 700 with glutamic acid.
Molecular consequence: missense variant. On other transcripts: 5 prime UTR variant (1).
Genome position (GRCh38, 1-based): chr18:70,150,044, C>T on the plus strand (G>A on the coding strand, the complement: RTTN is on the minus strand). VCF-style: chr18-70150044-C-T. GRCh37 (hg19) VCF-style: chr18-67817280-C-T.
Other names: c.-549G>A (NM_001318520.2); short protein forms G700E.
Identifiers: ClinVar variation 2122427 (VCV002122427.4), dbSNP rs1599782962, ClinGen allele CA402696279.
Genomic context (GRCh38, chr18:70,150,044, plus strand): 5'-ATGACAGGACAGAGAGATTCAATAAACTTGTTCCAGGTCAATGCTGTCATCATCAATCGT[C>T]CCTGAAGCAGGTATAACAGAATGGCCTTGGCAGCAGTGTTCACCTGCTCAACAACACAGA-3'
Protein context (NP_775901.3, residues 690-710): AKAILLYLLQ[Gly700Glu]RLMMTALTWN